The following is an entry in ClinVar:

ClinVar aggregate classification (germline): Benign. Review status: reviewed by expert panel (3 of 4 stars). 4 submissions from 4 submitters: Benign (1). 3 of the submissions do not count toward it. Last evaluated 2015-08-10.

Conditions:
Hereditary cancer-predisposing syndrome. Also called: Neoplastic Syndromes, Hereditary; Hereditary Cancer Syndrome; Tumor predisposition; Hereditary neoplastic syndrome. Identifiers: Orphanet 140162, MedGen C0027672, MeSH D009386, MONDO:0015356.
Breast-ovarian cancer, familial, susceptibility to, 2 (BROVCA2). Also called: BRCA2 Hereditary Breast and Ovarian Cancer. Identifiers: Orphanet 145, MedGen C2675520, MONDO:0012933, OMIM 612555. Disease mechanism: loss of function.
Hereditary breast ovarian cancer syndrome. Also called: Hereditary breast and/or ovarian cancer syndrome; Hereditary breast and ovarian cancer syndrome; BRCA1- and BRCA2-Associated Hereditary Breast and Ovarian Cancer; Hereditary breast and ovarian cancer; Hereditary breast and ovarian cancer syndrome (HBOC); Breast and ovarian cancer. Identifiers: Orphanet 145, MedGen C0677776, MeSH D061325, MONDO:0003582. Disease mechanism: loss of function.

Submissions (4):

Evidence-based Network for the Interpretation of Germline Mutant Alleles (ENIGMA)
Classification: Benign for Breast-ovarian cancer, familial 2. Last evaluated: 2015-08-10. Review status: reviewed by expert panel. Criteria: ENIGMA BRCA1/2 Classification Criteria (2015). Collection method: curation. Allele origin: germline.
Comment: IARC class based on posterior probability from multifactorial likelihood analysis, thresholds for class as per Plon et al. 2008 (PMID: 18951446). Class 1 based on posterior probability = 0.00025883

Labcorp Genetics (formerly Invitae), Labcorp
Classification: Likely benign for Hereditary breast ovarian cancer syndrome. Last evaluated: 2025-04-13. Review status: criteria provided, single submitter. Criteria: Invitae Variant Classification Sherloc (09022015). Collection method: clinical testing. Allele origin: germline. Not counted in ClinVar's aggregate classification.

Quest Diagnostics Nichols Institute San Juan Capistrano
Classification: Likely benign. Last evaluated: 2018-10-12. Review status: criteria provided, single submitter. Criteria: Quest Diagnostics criteria. Collection method: clinical testing. Allele origin: germline. Not counted in ClinVar's aggregate classification.

Ambry Genetics
Classification: Likely benign for Hereditary cancer-predisposing syndrome. Last evaluated: 2016-10-11. Review status: criteria provided, single submitter. Criteria: Ambry Variant Classification Scheme 2023. Collection method: clinical testing. Allele origin: germline. Not counted in ClinVar's aggregate classification.

Literature cited by the submitters: PubMed 21769658 (cited by Evidence-based Network for the Interpretation of Germline Mutant Alleles (ENIGMA) and Quest Diagnostics Nichols Institute San Juan Capistrano).

NM_000059.4(BRCA2):c.3156A>C (p.Ala1052=)

Gene: BRCA2 (BRCA2 DNA repair associated; plus strand). Cytogenetic location: 13q13.1.
Variant type: single nucleotide variant.
Coding change: c.3156A>C on transcript NM_000059.4 (MANE Select); coding-DNA position 3156, A replaced by C.
Protein change: p.Ala1052=; no amino-acid change (alanine 1052 retained).
Molecular consequence: synonymous variant.
Genome position (GRCh38, 1-based): chr13:32,337,511, A>C. VCF-style: chr13-32337511-A-C. GRCh37 (hg19) VCF-style: chr13-32911648-A-C.
Other names: 3384A>C; A1052A.
Identifiers: ClinVar variation 209216 (VCV000209216.18), dbSNP rs797044975, ClinGen allele CA276186.